The following is an entry in ClinVar:

NM_018475.5(TMEM165):c.811G>A (p.Val271Met)

Gene: TMEM165 (transmembrane protein 165; plus strand). Cytogenetic location: 4q12.
Variant type: single nucleotide variant.
Coding change: c.811G>A on transcript NM_018475.5 (MANE Select); coding-DNA position 811, G replaced by A.
Protein change: p.Val271Met; replaces valine 271 with methionine.
Molecular consequence: missense variant. On other transcripts: non-coding transcript variant (1).
Genome position (GRCh38, 1-based): chr4:55,424,556, G>A. VCF-style: chr4-55424556-G-A. GRCh37 (hg19) VCF-style: chr4-56290723-G-A.
Other names: short protein forms V271M.
Identifiers: ClinVar variation 1430183 (VCV001430183.5), dbSNP rs764212150, ClinGen allele CA2925599.

ClinVar aggregate classification (germline): Uncertain significance (1 of 4 stars; one submission).

Conditions:
TMEM165-congenital disorder of glycosylation. Also called: TMEM165-CDG; Congenital disorder of glycosylation type 2k; CDG IIk. Identifiers: Orphanet 314667, MedGen C3553571, MONDO:0013870, OMIM 614727.

Allele frequency attached by ClinVar (database versions not stated): gnomAD 0.00001; TOPMed 0.00001; gnomAD exomes 0.00002; ExAC 0.00003.

Submission:

Labcorp Genetics (formerly Invitae), Labcorp
Classification: Uncertain significance for TMEM165-congenital disorder of glycosylation. Last evaluated: 2022-08-19. Review status: criteria provided, single submitter. Criteria: Invitae Variant Classification Sherloc (09022015). Collection method: clinical testing. Allele origin: germline.
Comment: This sequence change replaces valine, which is neutral and non-polar, with methionine, which is neutral and non-polar, at codon 271 of the TMEM165 protein (p.Val271Met). This variant is present in population databases (rs764212150, gnomAD 0.005%). This variant has not been reported in the literature in individuals affected with TMEM165-related conditions. ClinVar contains an entry for this variant (Variation ID: 1430183). Algorithms developed to predict the effect of missense changes on protein structure and function are either unavailable or do not agree on the potential impact of this missense change (SIFT: "Deleterious"; PolyPhen-2: "Probably Damaging"; Align-GVGD: "Class C0"). In summary, the available evidence is currently insufficient to determine the role of this variant in disease. Therefore, it has been classified as a Variant of Uncertain Significance.